The following is an entry in ClinVar:

ClinVar aggregate classification (germline): Uncertain significance. Review status: criteria provided, multiple submitters, no conflicts (2 of 4 stars). 3 submissions from 3 submitters: Uncertain significance (3). Last evaluated 2025-12-31.

Conditions:
Charcot-Marie-Tooth disease type 2. Also called: Charcot-Marie-Tooth type 2. Identifiers: Orphanet 64746, MedGen C0270914, MONDO:0018993.

Allele frequency attached by ClinVar (database versions not stated): gnomAD exomes below 0.00001; TOPMed below 0.00001; gnomAD 0.00001.
gnomAD v4.1: 2 of 1,554,624 alleles (0.00013%); highest among the groups gnomAD compares: Non-Finnish European, 0.00017%; no homozygotes.

Submissions (3):

Labcorp Genetics (formerly Invitae), Labcorp
Classification: Uncertain significance for Charcot-Marie-Tooth disease type 2. Last evaluated: 2025-12-31. Review status: criteria provided, single submitter. Criteria: Invitae Variant Classification Sherloc (09022015). Collection method: clinical testing. Allele origin: germline.
Comment: This sequence change replaces glutamic acid, which is acidic and polar, with lysine, which is basic and polar, at codon 556 of the LMNA protein (p.Glu556Lys). This variant is not present in population databases (gnomAD no frequency). This variant has not been reported in the literature in individuals affected with LMNA-related conditions. ClinVar contains an entry for this variant (Variation ID: 2414464). Invitae Evidence Modeling of protein sequence and biophysical properties (such as structural, functional, and spatial information, amino acid conservation, physicochemical variation, residue mobility, and thermodynamic stability) indicates that this missense variant is expected to disrupt LMNA protein function with a positive predictive value of 95%. In summary, the available evidence is currently insufficient to determine the role of this variant in disease. Therefore, it has been classified as a Variant of Uncertain Significance.

Women's Health and Genetics/Laboratory Corporation of America, LabCorp
Classification: Uncertain significance. Last evaluated: 2025-12-08. Review status: criteria provided, single submitter. Criteria: LabCorp Variant Classification Summary - May 2015. Collection method: clinical testing. Allele origin: germline.
Comment: Variant summary: LMNA c.1666G>A (p.Glu556Lys) results in a conservative amino acid change in the encoded protein sequence. Algorithms developed to predict the effect of missense changes on protein structure and function are either unavailable or do not agree on the potential impact of this missense change. The frequency data for this variant in gnomAD is considered unreliable, as metrics indicate poor data quality at this position. To our knowledge, no occurrence of c.1666G>A in individuals affected with LMNA-related conditions and no experimental evidence demonstrating its impact on protein function have been reported. ClinVar contains an entry for this variant (Variation ID: 2414464). Based on the evidence outlined above, the variant was classified as uncertain significance.

Blueprint Genetics
Classification: Uncertain significance. Last evaluated: 2024-03-11. Review status: criteria provided, single submitter. Criteria: ACMG Guidelines, 2015. Collection method: clinical testing. Allele origin: germline.

NM_170707.4(LMNA):c.1666G>A (p.Glu556Lys)

Gene: LMNA (lamin A/C; plus strand). Cytogenetic location: 1q22.
Variant type: single nucleotide variant.
Coding change: c.1666G>A on transcript NM_170707.4 (MANE Select); coding-DNA position 1666, G replaced by A.
Protein change: p.Glu556Lys; replaces glutamic acid 556 with lysine.
Molecular consequence: missense variant. On other transcripts: intron variant (1).
Genome position (GRCh38, 1-based): chr1:156,137,711, G>A. VCF-style: chr1-156137711-G-A. GRCh37 (hg19) VCF-style: chr1-156107502-G-A.
Other names: c.1330G>A, p.Glu444Lys (NM_001257374.3, NM_001406989.1, NM_001406998.1); c.1423G>A, p.Glu475Lys (NM_001282624.2, NM_001406986.1, NM_001406987.1); c.1666G>A, p.Glu556Lys (NM_001282625.2, NM_001282626.2, NM_001406983.1 and 5 more transcripts); c.1369G>A, p.Glu457Lys (NM_001406988.1); c.1108G>A, p.Glu370Lys (NM_001406990.1, NM_001406993.1, NM_001406995.1 and 4 more transcripts); c.1042G>A, p.Glu348Lys (NM_001406994.1, NM_001406999.1, NM_001407000.1 and 1 more transcripts); c.1608+479G>A (NM_170708.4); short protein forms E348K, E370K, E444K, E457K, E475K, E556K.
Identifiers: ClinVar variation 2414464 (VCV002414464.8), dbSNP rs1651789099, ClinGen allele CA342825649.